The following is an entry in ClinVar:

NM_015001.3(SPEN):c.9621C>T (p.Ser3207=)

Gene: SPEN (spen family transcriptional repressor; plus strand). Cytogenetic location: 1p36.13.
Variant type: single nucleotide variant.
Coding change: c.9621C>T on transcript NM_015001.3 (MANE Select); coding-DNA position 9621, C replaced by T.
Protein change: p.Ser3207=; no amino-acid change (serine 3207 retained).
Molecular consequence: synonymous variant.
Genome position (GRCh38, 1-based): chr1:15,935,861, C>T. VCF-style: chr1-15935861-C-T. GRCh37 (hg19) VCF-style: chr1-16262356-C-T.
Other names: NC_000001.10:g.16262356C>T.
Identifiers: ClinVar variation 3037501 (VCV003037501.3), dbSNP rs113837976, ClinGen allele CA620518.

ClinVar aggregate classification (germline): Benign (0 of 4 stars; one submission).

Conditions:
SPEN-related disorder. Also called: SPEN-related condition.

Allele frequency attached by ClinVar (database versions not stated): gnomAD exomes 0.00194; ExAC 0.00585; gnomAD 0.01717; TOPMed 0.01979; 1000 Genomes Project 0.02017; 1000 Genomes Project 30x 0.02077; ESP Exome Variant Server 0.02091.
gnomAD v4.1: 5,549 of 1,613,626 alleles (0.34%); highest among the groups gnomAD compares: African/African-American, 5.9%; 168 homozygotes.

Submissions (8):

PreventionGenetics, part of Exact Sciences
Classification: Benign for SPEN-related condition. Last evaluated: 2024-03-29. Review status: no assertion criteria provided. Collection method: clinical testing. Allele origin: germline.
Comment: This variant is classified as benign based on ACMG/AMP sequence variant interpretation guidelines (Richards et al. 2015 PMID: 25741868, with internal and published modifications).

Dr. Peter K. Rogan Lab, Western University
No classification provided (evidence only). Condition: Clear cell carcinoma of kidney. Review status: no classification provided. Collection method: in vitro. Allele origin: not applicable. Functional consequence: retained intron. Not counted in ClinVar's aggregate classification.

Dr. Peter K. Rogan Lab, Western University
No classification provided (evidence only). Condition: Acute myeloid leukemia. Review status: no classification provided. Collection method: in vitro. Allele origin: not applicable. Functional consequence: retained intron. Not counted in ClinVar's aggregate classification.

Dr. Peter K. Rogan Lab, Western University
No classification provided (evidence only). Condition: Thyroid cancer, nonmedullary, 1. Review status: no classification provided. Collection method: in vitro. Allele origin: not applicable. Functional consequence: retained intron. Not counted in ClinVar's aggregate classification.

Dr. Peter K. Rogan Lab, Western University
No classification provided (evidence only). Condition: Uterine corpus endometrial carcinoma. Review status: no classification provided. Collection method: in vitro. Allele origin: not applicable. Functional consequence: retained intron. Not counted in ClinVar's aggregate classification.

Dr. Peter K. Rogan Lab, Western University
No classification provided (evidence only). Condition: Cervical cancer. Review status: no classification provided. Collection method: in vitro. Allele origin: not applicable. Functional consequence: retained intron. Not counted in ClinVar's aggregate classification.

Dr. Peter K. Rogan Lab, Western University
No classification provided (evidence only). Condition: Cervical cancer. Review status: no classification provided. Collection method: in vitro. Allele origin: not applicable. Functional consequence: retained intron. Not counted in ClinVar's aggregate classification.

Dr. Peter K. Rogan Lab, Western University
No classification provided (evidence only). Condition: Uterine carcinosarcoma. Review status: no classification provided. Collection method: in vitro. Allele origin: not applicable. Functional consequence: retained intron. Not counted in ClinVar's aggregate classification.